The following is an entry in ClinVar:

ClinVar aggregate classification (germline): Uncertain significance. Review status: criteria provided, multiple submitters, no conflicts (2 of 4 stars). 3 submissions from 3 submitters: Uncertain significance (3). Last evaluated 2025-06-06.

Allele frequency attached by ClinVar (database versions not stated): gnomAD exomes below 0.00001; TOPMed below 0.00001; gnomAD 0.00001.
gnomAD v4.1: 7 of 1,613,898 alleles (0.00043%); highest among the groups gnomAD compares: Non-Finnish European, 0.00059%; no homozygotes.

Submissions (3):

GeneDx
Classification: Uncertain significance. Last evaluated: 2025-06-06. Review status: criteria provided, single submitter. Criteria: GeneDx Variant Classification Process June 2021. Collection method: clinical testing. Allele origin: germline. Affected: yes.
Comment: Not observed at significant frequency in large population cohorts (gnomAD); Has not been previously published as pathogenic or benign to our knowledge; Nonsense variant predicted to result in protein truncation as the last 35 amino acid(s) are lost with an unclear effect on protein function

Labcorp Genetics (formerly Invitae), Labcorp
Classification: Uncertain significance. Last evaluated: 2024-12-25. Review status: criteria provided, single submitter. Criteria: Invitae Variant Classification Sherloc (09022015). Collection method: clinical testing. Allele origin: germline.
Comment: This sequence change creates a premature translational stop signal (p.Trp98*) in the PMP2 gene. It is expected to result in an absent or disrupted protein product. However, the current clinical and genetic evidence is not sufficient to establish whether loss-of-function variants in PMP2 cause disease. This variant is not present in population databases (gnomAD no frequency). This variant has not been reported in the literature in individuals affected with PMP2-related conditions. ClinVar contains an entry for this variant (Variation ID: 1013585). In summary, the available evidence is currently insufficient to determine the role of this variant in disease. Therefore, it has been classified as a Variant of Uncertain Significance.

CeGaT Center for Human Genetics Tuebingen
Classification: Uncertain significance. Last evaluated: 2023-04-01. Review status: criteria provided, single submitter. Criteria: CeGaT Center For Human Genetics Tuebingen Variant Classification Criteria Version 2. Collection method: clinical testing. Allele origin: germline. Affected: yes. Observed: 2 variant alleles.
Comment: PMP2: PM2

NM_002677.5(PMP2):c.293G>A (p.Trp98Ter)

Gene: PMP2 (peripheral myelin protein 2; minus strand). Cytogenetic location: 8q21.13.
Variant type: single nucleotide variant.
Coding change: c.293G>A on transcript NM_002677.5 (MANE Select); coding-DNA position 293, G replaced by A.
Protein change: p.Trp98Ter; replaces tryptophan 98 with a stop codon.
Molecular consequence: nonsense. On other transcripts: missense variant (1).
Genome position (GRCh38, 1-based): chr8:81,444,555, C>T on the plus strand (G>A on the coding strand, the complement: PMP2 is on the minus strand). VCF-style: chr8-81444555-C-T. GRCh37 (hg19) VCF-style: chr8-82356790-C-T.
Other names: c.293G>A (NM_002677.3); c.120G>A, p.Met40Ile (NM_001348381.2); short protein forms M40I, W98*.
Identifiers: ClinVar variation 1013585 (VCV001013585.42), dbSNP rs1807409837, ClinGen allele CA371517338.
Genomic context (GRCh38, chr8:81,444,555, plus strand): 5'-CTTACCGCTACCATTTTCCCATTCACTAGCTTTCTCTTTATGGTTGTCTCTTTGCCATCC[C>T]ATCTCTGCACTTGATTCAGTGATCCTCTCTGCAGGGTTACGATGCTCTGCAAAGACAAGG-3'